The following is an entry in ClinVar:

NM_173660.5(DOK7):c.752C>A (p.Ala251Glu)

Genes: DOK7 (docking protein 7; plus strand), LOC129992118 (ATAC-STARR-seq lymphoblastoid silent region 15206; plus strand). Cytogenetic location: 4p16.3.
Variant type: single nucleotide variant.
Coding change: c.752C>A on transcript NM_173660.5 (MANE Select); coding-DNA position 752, C replaced by A.
Protein change: p.Ala251Glu; replaces alanine 251 with glutamic acid.
Molecular consequence: missense variant. On other transcripts: nonsense (1), 5 prime UTR variant (1).
Genome position (GRCh38, 1-based): chr4:3,489,776, C>A. VCF-style: chr4-3489776-C-A. GRCh37 (hg19) VCF-style: chr4-3491503-C-A.
Other names: c.741C>A, p.Cys247Ter (NM_001164673.2); c.-179C>A (NM_001256896.2); c.752C>A, p.Ala251Glu (NM_001301071.2); c.320C>A, p.Ala107Glu (NM_001363811.2); c.741C>A (NM_001164673.1); short protein forms A251E, C247*, A107E.
Identifiers: ClinVar variation 1027869 (VCV001027869.10), dbSNP rs376251309, ClinGen allele CA2829168.

ClinVar aggregate classification (germline): Conflicting classifications of pathogenicity. Review status: criteria provided, conflicting classifications (1 of 4 stars). 4 submissions from 4 submitters: Uncertain significance (2); Likely benign (1). 1 of the submissions does not count toward it. Last evaluated 2026-02-01.

Conditions:
DOK7-related disorder. Also called: DOK7-related condition.
Inborn genetic diseases. Identifiers: MedGen C0950123, MeSH D030342.
Fetal akinesia deformation sequence 1 (FADS1). Also called: Pena-Shokeir syndrome type I; Fetal akinesia sequence. Identifiers: Orphanet 994, MedGen C1276035, MONDO:0100101, OMIM 208150, HP:0001989.
Congenital myasthenic syndrome 10. Also called: Myasthenia, limb-girdle, familial. Identifiers: Orphanet 590, MedGen C1850792, MONDO:0009690, OMIM 254300.

Allele frequency attached by ClinVar (database versions not stated): TOPMed 0.00010.
gnomAD v4.1: 51 of 1,572,398 alleles (0.0032%); highest among the groups gnomAD compares: Admixed American, 0.088%; 1 homozygote.

Submissions (4):

Labcorp Genetics (formerly Invitae), Labcorp
Classification: Likely benign for Congenital myasthenic syndrome 10; Fetal akinesia deformation sequence 1. Last evaluated: 2026-02-01. Review status: criteria provided, single submitter. Criteria: Invitae Variant Classification Sherloc (09022015). Collection method: clinical testing. Allele origin: germline.

Ambry Genetics
Classification: Uncertain significance for Inborn genetic diseases. Last evaluated: 2024-02-13. Review status: criteria provided, single submitter. Criteria: Ambry Variant Classification Scheme 2023. Collection method: clinical testing. Allele origin: germline.

Baylor Genetics
Classification: Uncertain significance for Congenital myasthenic syndrome 10. Review status: criteria provided, single submitter. Criteria: ACMG Guidelines, 2015. Collection method: clinical testing. Allele origin: unknown.

PreventionGenetics, part of Exact Sciences
Classification: Uncertain significance for DOK7-related condition. Last evaluated: 2024-03-13. Review status: no assertion criteria provided. Collection method: clinical testing. Allele origin: germline. Not counted in ClinVar's aggregate classification.
Comment: The DOK7 c.741C>A variant is predicted to result in premature protein termination (p.Cys247*). In the canonical transcript (NM_173660) this variant is defined as c.752C>A, which is predicted to result in the amino acid substitution p.Ala251Glu. To our knowledge, this variant has not been reported in the literature. This variant is reported in 0.15% of alleles in individuals of Latino descent in gnomAD, including one homozygote. At this time, the clinical significance of this variant is uncertain due to the absence of conclusive functional and genetic evidence.